The following is an entry in ClinVar:

ClinVar aggregate classification (germline): Likely pathogenic. Review status: criteria provided, multiple submitters, no conflicts (2 of 4 stars). 3 submissions from 3 submitters: Likely pathogenic (3). Last evaluated 2026-01-12.

Conditions:
Cardiovascular phenotype. Identifiers: MedGen CN230736.
Dilated cardiomyopathy 1G (CMD1G). Identifiers: Orphanet 154, MedGen C1858763, MONDO:0011400, OMIM 604145.
Autosomal recessive limb-girdle muscular dystrophy type 2J (LGMDR10). Also called: Limb-girdle muscular dystrophy, type 2J; MUSCULAR DYSTROPHY, LIMB-GIRDLE, AUTOSOMAL RECESSIVE 10. Identifiers: Orphanet 140922, MedGen C1837342, MONDO:0012127, OMIM 608807.

Submissions (3):

Labcorp Genetics (formerly Invitae), Labcorp
Classification: Likely pathogenic for Dilated cardiomyopathy 1G; Autosomal recessive limb-girdle muscular dystrophy type 2J. Last evaluated: 2026-01-12. Review status: criteria provided, single submitter. Criteria: Invitae Variant Classification Sherloc (09022015). Collection method: clinical testing. Allele origin: germline.
Comment: This sequence change creates a premature translational stop signal (p.Leu21176Glyfs*29) in the TTN gene. While this is not anticipated to result in nonsense mediated decay, it is expected to create a truncated TTN protein. This variant is not present in population databases (gnomAD no frequency). This variant has not been reported in the literature in individuals affected with TTN-related conditions. ClinVar contains an entry for this variant (Variation ID: 1162943). This variant is located in the A band of TTN (PMID: 25589632). Truncating variants in this region are significantly overrepresented in patients affected with dilated cardiomyopathy (PMID: 25589632). Truncating variants in this region have also been reported in individuals affected with autosomal recessive centronuclear myopathy (PMID: 23975875). In summary, the currently available evidence indicates that the variant is pathogenic, but additional data are needed to prove that conclusively. Therefore, this variant has been classified as Likely Pathogenic.

Ambry Genetics
Classification: Likely pathogenic for Cardiovascular phenotype. Last evaluated: 2024-07-05. Review status: criteria provided, single submitter. Criteria: Ambry Variant Classification Scheme 2023. Collection method: clinical testing. Allele origin: germline.
Comment: The c.36331_36332delTT variant, located in coding exon 133 of the TTN gene, results from a deletion of two nucleotides at nucleotide positions 36331 to 36332, causing a translational frameshift with a predicted alternate stop codon (p.L12111Gfs*29). This exon is located in the A-band region of the N2-B isoform of the titin protein and is constitutively expressed in TTN transcripts (percent spliced in or PSI 100%). This variant is considered to be rare based on population cohorts in the Genome Aggregation Database (gnomAD). This alteration is expected to result in loss of function by premature protein truncation or nonsense-mediated mRNA decay. While truncating variants in TTN are present in 1-3% of the general population, truncating variants in the A-band are the most common cause of dilated cardiomyopathy (DCM) (Herman DS et al. N. Engl. J. Med., 2012 Feb;366:619-28; Roberts AM et al. Sci Transl Med, 2015 Jan;7:270ra6). TTN truncating variants encoded in constitutive exons (PSI >90%) have been found to be significantly associated with DCM regardless of their position in titin (Schafer S et al. Nat. Genet., 2017 01;49:46-53). Based on the majority of available evidence to date, this variant is likely to be pathogenic.

Mayo Clinic Laboratories, Mayo Clinic
Classification: Likely pathogenic. Last evaluated: 2020-12-21. Review status: criteria provided, single submitter. Criteria: ACMG Guidelines, 2015. Collection method: clinical testing. Allele origin: germline. Observed: 1 variant allele.
Comment: PVS1, PM1, PM2_supporting

Literature cited by the submitters: PubMed 25589632 (cited by Labcorp Genetics (formerly Invitae), Labcorp); PubMed 23975875 (cited by Labcorp Genetics (formerly Invitae), Labcorp).

NM_001267550.2(TTN):c.63526_63527del (p.Leu21176fs)

Genes: TTN-AS1 (TTN antisense RNA 1; plus strand), TTN (titin; minus strand). Cytogenetic location: 2q31.2.
Variant type: Deletion.
Coding change: c.63526_63527del on transcript NM_001267550.2 (MANE Select); coding-DNA positions 63526 to 63527, 2 bases deleted (TT; older notation c.63526_63527delTT).
Protein change: p.Leu21176fs; shifts the reading frame from leucine 21176.
Molecular consequence: frameshift variant.
Genome position (GRCh38, 1-based): chr2:178,587,782-178,587,783, AA deleted on the plus strand (TT on the coding strand, the reverse complement: TTN is on the minus strand); deleting any 2 consecutive bases within chr2:178,587,782-178,587,784 gives the same sequence; the c. name uses the placement nearest the transcript's 3' end. VCF-style (leftmost placement, unchanged base first): chr2-178587781-CAA-C. GRCh37 (hg19) VCF-style: chr2-179452508-CAA-C.
Other names: c.36331_36332delTT (NM_003319.4); c.58603_58604del, p.Leu19535fs (NM_001256850.1); c.36331_36332del, p.Leu12111fs (NM_003319.4); c.55822_55823del, p.Leu18608fs (NM_133378.4); c.36706_36707del, p.Leu12236fs (NM_133432.3); c.36907_36908del, p.Leu12303fs (NM_133437.4); c.58603_58604delTT (NM_001256850.1); short protein forms L12111fs, L12236fs, L12303fs, L18608fs, L19535fs, L21176fs.
Identifiers: ClinVar variation 1162943 (VCV001162943.10), dbSNP rs2154182483, ClinGen allele CA2499215395.